The following is an entry in ClinVar:

NC_000007.14:g.(?_5986749)_(6009029_?)del

Genes: PMS2 (PMS1 homolog 2, mismatch repair system component; minus strand), LOC129997916 (ATAC-STARR-seq lymphoblastoid active region 25614; plus strand). Cytogenetic location: 7p22.1.
Variant type: Deletion.
Identifiers: ClinVar variation 583645 (VCV000583645.3).

ClinVar aggregate classification (germline): Pathogenic (1 of 4 stars; one submission).

Conditions:
Hereditary nonpolyposis colorectal neoplasms. Identifiers: MedGen C0009405, MeSH D003123.

Submission:

Labcorp Genetics (formerly Invitae), Labcorp
Classification: Pathogenic for Hereditary nonpolyposis colon cancer. Last evaluated: 2019-06-26. Review status: criteria provided, single submitter. Criteria: Invitae Variant Classification Sherloc (09022015). Collection method: clinical testing. Allele origin: germline.
Comment: A gross deletion of the genomic region encompassing the full coding sequence of the PMS2 gene has been identified. The boundaries of this event are unknown as the deletion extends beyond the assayed region for this gene and therefore may encompass additional genes. Whole gene deletions of PMS2 have been reported in individuals affected with Lynch syndrome (PMID: 20186688, 17453009, 16472587). Loss-of-function variants in PMS2 are known to be pathogenic (PMID: 21376568, 24362816). For these reasons, this variant has been classified as Pathogenic.

Literature cited by the submitters: PubMed 17453009; PubMed 20186688; PubMed 16472587.